The following is an entry in ClinVar:

ClinVar aggregate classification (germline): Uncertain significance (1 of 4 stars; one submission).

gnomAD v4.1: 507 of 1,613,454 alleles (0.031%); highest among the groups gnomAD compares: Non-Finnish European, 0.04%; 3 homozygotes.

Submission:

Mayo Clinic Laboratories, Mayo Clinic
Classification: Uncertain significance. Last evaluated: 2025-05-04. Review status: criteria provided, single submitter. Criteria: ACMG Guidelines, 2015. Collection method: clinical testing. Allele origin: germline. Observed: 1 variant allele.
Comment: PP3, PS3_supporting

Literature cited by the submitters: PubMed 24819173; PubMed 31541133.

NM_005223.4(DNASE1):c.686C>T (p.Thr229Met)

Gene: DNASE1 (deoxyribonuclease 1; plus strand). Cytogenetic location: 16p13.3.
Variant type: single nucleotide variant.
Coding change: c.686C>T on transcript NM_005223.4 (MANE Select); coding-DNA position 686, C replaced by T.
Protein change: p.Thr229Met; replaces threonine 229 with methionine.
Molecular consequence: missense variant. On other transcripts: non-coding transcript variant (2).
Genome position (GRCh38, 1-based): chr16:3,657,323, C>T. VCF-style: chr16-3657323-C-T. GRCh37 (hg19) VCF-style: chr16-3707324-C-T.
Other names: p.Thr229Met; c.686C>T, p.Thr229Met (NM_001351825.2, NM_001387135.1, NM_001387140.1); c.755C>T, p.Thr252Met (NM_001387139.1); c.479C>T, p.Thr160Met (NM_001387141.1); short protein forms T160M, T229M, T252M.
Identifiers: ClinVar variation 4542011 (VCV004542011.1).